The following is an entry in ClinVar:

NC_000009.12:g.35657927C>T

Gene: RMRP (RNA component of mitochondrial RNA processing endoribonuclease; minus strand). Cytogenetic location: 9p13.3.
Variant type: single nucleotide variant.
Genome position: GRCh38 VCF-style: chr9-35657927-C-T. GRCh37 (hg19) VCF-style: chr9-35657924-C-T.
Identifiers: ClinVar variation 2136771 (VCV002136771.2), dbSNP rs940193083, ClinGen allele CA192745647.

ClinVar aggregate classification (germline): Uncertain significance (1 of 4 stars; one submission).

Conditions:
Anauxetic dysplasia. Identifiers: Orphanet 93347, MedGen C1846796, MONDO:0011773.

gnomAD v4.1: 7 of 700,468 alleles (0.001%); highest among the groups gnomAD compares: Non-Finnish European, 0.0018%; no homozygotes.

Submission:

Labcorp Genetics (formerly Invitae), Labcorp
Classification: Uncertain significance for Anauxetic dysplasia. Last evaluated: 2023-07-28. Review status: criteria provided, single submitter. Criteria: Invitae Variant Classification Sherloc (09022015). Collection method: clinical testing. Allele origin: germline.
Comment: This variant occurs in the RMRP gene, which encodes an RNA molecule that does not result in a protein product. This variant is not present in population databases (gnomAD no frequency). This variant has been observed in individual(s) with cartilage-hair hypoplasia (PMID: 16838329). This variant is also known as n.91G>A. ClinVar contains an entry for this variant (Variation ID: 2136771). Experimental studies and prediction algorithms are not available or were not evaluated, and the functional significance of this variant is currently unknown. In summary, the available evidence is currently insufficient to determine the role of this variant in disease. Therefore, it has been classified as a Variant of Uncertain Significance.

Literature cited by the submitters: PubMed 16838329.